The following is an entry in ClinVar:

ClinVar aggregate classification (germline): Uncertain significance. Review status: criteria provided, multiple submitters, no conflicts (2 of 4 stars). 8 submissions from 8 submitters: Uncertain significance (7). 1 of the submissions does not count toward it. Last evaluated 2026-07-01.

Conditions:
Glycogen storage disease, type II (IOPD). Also called: CARDIOMEGALIA GLYCOGENICA DIFFUSA; GLYCOGEN STORAGE DISEASE II, INFANTILE-ONSET; POMPE DISEASE, INFANTILE-ONSET; ACID ALPHA-GLUCOSIDASE DEFICIENCY, INFANTILE-ONSET; GAA DEFICIENCY, INFANTILE-ONSET; ACID MALTASE DEFICIENCY, INFANTILE-ONSET. Identifiers: Orphanet 365, MedGen C0017921, MONDO:0009290, OMIM 232300.

Allele frequency attached by ClinVar (database versions not stated): gnomAD 0.00001; TOPMed 0.00002; gnomAD exomes 0.00003 and 0.00004; ExAC 0.00005.
gnomAD v4.1: 61 of 1,612,180 alleles (0.0038%); highest among the groups gnomAD compares: Non-Finnish European, 0.0048%; no homozygotes.

Submissions (8):

Genomenon, Inc
Classification: Uncertain significance for Glycogen storage disease, type II. Last evaluated: 2026-07-01. Review status: criteria provided, single submitter. Criteria: Genomenon Sequence Variant Interpretation Standards - Updated. Collection method: curation. Allele origin: germline. Affected: yes.
Comment: GAA p.Glu192Asp (c.576G>C) is a missense variant that changes the amino acid at codon 192 from Glutamic acid to Aspartic acid. This variant has been observed in at least one proband with a GAA-related disorder in the compound heterozygous and/or homozygous state (PMID:39731073). It is absent or not present at a significant frequency in gnomAD. In silico models predict that this variant is not damaging. In conclusion, we classify GAA p.Glu192Asp (c.576G>C) as a variant of uncertain significance.

Revvity Omics, Revvity
Classification: Uncertain significance. Last evaluated: 2022-09-09. Review status: criteria provided, single submitter. Criteria: ACMG Guidelines, 2015. Collection method: clinical testing. Allele origin: germline.

Labcorp Genetics (formerly Invitae), Labcorp
Classification: Uncertain significance for Glycogen storage disease, type II. Last evaluated: 2022-07-26. Review status: criteria provided, single submitter. Criteria: Invitae Variant Classification Sherloc (09022015). Collection method: clinical testing. Allele origin: germline.
Comment: This sequence change replaces glutamic acid, which is acidic and polar, with aspartic acid, which is acidic and polar, at codon 192 of the GAA protein (p.Glu192Asp). This variant is present in population databases (rs760655446, gnomAD 0.006%). This variant has not been reported in the literature in individuals affected with GAA-related conditions. ClinVar contains an entry for this variant (Variation ID: 286219). Algorithms developed to predict the effect of missense changes on protein structure and function are either unavailable or do not agree on the potential impact of this missense change (SIFT: "Tolerated"; PolyPhen-2: "Probably Damaging"; Align-GVGD: "Class C0"). In summary, the available evidence is currently insufficient to determine the role of this variant in disease. Therefore, it has been classified as a Variant of Uncertain Significance.

Fulgent Genetics
Classification: Uncertain significance for Glycogen storage disease, type II. Last evaluated: 2021-09-21. Review status: criteria provided, single submitter. Criteria: ACMG Guidelines, 2015. Collection method: clinical testing. Allele origin: unknown.

Genome-Nilou Lab
Classification: Uncertain significance for Glycogen storage disease, type II. Last evaluated: 2021-09-05. Review status: criteria provided, single submitter. Criteria: ACMG Guidelines, 2015. Collection method: clinical testing. Allele origin: germline. Affected: no.

GeneDx
Classification: Uncertain significance. Last evaluated: 2019-07-10. Review status: criteria provided, single submitter. Criteria: GeneDx Variant Classification Process June 2021. Collection method: clinical testing. Allele origin: germline. Affected: yes.
Comment: Not observed at a significant frequency in large population cohorts (Lek et al., 2016); In silico analysis, which includes protein predictors and evolutionary conservation, supports a deleterious effect; Has not been previously published as pathogenic or benign to our knowledge

Eurofins Ntd Llc (ga)
Classification: Uncertain significance. Last evaluated: 2016-02-23. Review status: criteria provided, single submitter. Criteria: EGL Classification Definitions 2015. Collection method: clinical testing. Allele origin: germline. Observed: 1 variant allele, 1 heterozygote.

Natera, Inc.
Classification: Uncertain significance for Glycogen storage disease type II. Last evaluated: 2019-10-28. Review status: no assertion criteria provided. Collection method: clinical testing. Allele origin: germline. Not counted in ClinVar's aggregate classification.

Literature cited by the submitters: PubMed 39731073 (cited by Genomenon, Inc).

NM_000152.5(GAA):c.576G>C (p.Glu192Asp)

Gene: GAA (alpha glucosidase; plus strand). Cytogenetic location: 17q25.3.
Variant type: single nucleotide variant.
Coding change: c.576G>C on transcript NM_000152.5 (MANE Select); coding-DNA position 576, G replaced by C.
Protein change: p.Glu192Asp; replaces glutamic acid 192 with aspartic acid.
Molecular consequence: missense variant.
Genome position (GRCh38, 1-based): chr17:80,105,778, G>C. VCF-style: chr17-80105778-G-C. GRCh37 (hg19) VCF-style: chr17-78079577-G-C.
Other names: c.576G>C (LRG_673t1); c.576G>C, p.Glu192Asp (NM_001079803.3, NM_001079804.3); short protein forms E192D.
Identifiers: ClinVar variation 286219 (VCV000286219.18), dbSNP rs760655446, ClinGen allele CA8814933.
Genomic context (GRCh38, chr17:80,105,778, plus strand): 5'-GGGAACATCAATAAACCCCCATCTCTTCTAGATCAAAGATCCAGCTAACAGGCGCTACGA[G>C]GTGCCCTTGGAGACCCCGCATGTCCACAGCCGGGCACCGTCCCCACTCTACAGCGTGGAG-3'
Protein context (NP_000143.2, residues 182-202): TIKDPANRRY[Glu192Asp]VPLETPHVHS